The following is an entry in ClinVar:

NM_006218.4(PIK3CA):c.1807G>A (p.Asp603Asn)

Gene: PIK3CA (phosphatidylinositol-4,5-bisphosphate 3-kinase catalytic subunit alpha; plus strand). Cytogenetic location: 3q26.32.
Variant type: single nucleotide variant.
Coding change: c.1807G>A on transcript NM_006218.4 (MANE Select); coding-DNA position 1807, G replaced by A.
Protein change: p.Asp603Asn; replaces aspartic acid 603 with asparagine.
Molecular consequence: missense variant.
Genome position (GRCh38, 1-based): chr3:179,219,631, G>A. VCF-style: chr3-179219631-G-A. GRCh37 (hg19) VCF-style: chr3-178937419-G-A.
Other names: short protein forms D603N.
Identifiers: ClinVar variation 1304089 (VCV001304089.2), dbSNP rs2108410841, ClinGen allele CA355266214.
Genomic context (GRCh38, chr3:179,219,631, plus strand): 5'-ATGTATTGCTTGGTAAAAGATTGGCCTCCAATCAAACCTGAACAGGCTATGGAACTTCTG[G>A]ACTGTAATTACCCAGATCCTATGGTTCGAGGTTTTGCTGTTCGGTGCTTGGAAAAATATT-3'
Protein context (NP_006209.2, residues 593-613): IKPEQAMELL[Asp603Asn]CNYPDPMVRG

ClinVar aggregate classification (germline): Uncertain significance (1 of 4 stars; one submission).

Submission:

GeneDx
Classification: Uncertain significance. Last evaluated: 2018-08-24. Review status: criteria provided, single submitter. Criteria: GeneDx Variant Classification Process June 2021. Collection method: clinical testing. Allele origin: germline. Affected: yes.
Comment: Not observed in large population cohorts (Lek et al., 2016); In silico analysis, which includes protein predictors and evolutionary conservation, supports a deleterious effect; Has not been previously published as pathogenic or benign to our knowledge